The following is an entry in ClinVar:

NM_007294.4(BRCA1):c.3438T>G (p.Cys1146Trp)

Genes: BRCA1 (BRCA1 DNA repair associated; minus strand), LOC126862571 (BRD4-independent group 4 enhancer GRCh37_chr17:41243136-41244335; plus strand). Cytogenetic location: 17q21.31.
Variant type: single nucleotide variant.
Coding change: c.3438T>G on transcript NM_007294.4 (MANE Select); coding-DNA position 3438, T replaced by G.
Protein change: p.Cys1146Trp; replaces cysteine 1146 with tryptophan.
Molecular consequence: missense variant. On other transcripts: intron variant (135).
Genome position (GRCh38, 1-based): chr17:43,092,093, A>C on the plus strand (T>G on the coding strand, the complement: BRCA1 is on the minus strand). VCF-style: chr17-43092093-A-C. GRCh37 (hg19) VCF-style: chr17-41244110-A-C.
Other names: c.3294T>G, p.Cys1098Trp (NM_001407839.1, NM_001407841.1, NM_001407842.1 and 20 more transcripts); c.3438T>G, p.Cys1146Trp (NM_001407583.1, NM_001407585.1, NM_001407593.1 and 30 more transcripts); c.3435T>G, p.Cys1145Trp (NM_001407587.1, NM_001407590.1, NM_001407591.1 and 22 more transcripts); c.3429T>G, p.Cys1143Trp (NM_001407646.1, NM_001407647.1); c.3315T>G, p.Cys1105Trp (NM_001407648.1, NM_001407664.1, NM_001407665.1 and 19 more transcripts); c.3312T>G, p.Cys1104Trp (NM_001407649.1, NM_001407670.1, NM_001407671.1 and 11 more transcripts); c.3360T>G, p.Cys1120Trp (NM_001407653.1, NM_001407654.1, NM_001407655.1 and 4 more transcripts); c.3357T>G, p.Cys1119Trp (NM_001407659.1, NM_001407660.1, NM_001407661.1 and 1 more transcripts); and 41 more; short protein forms C1099W, C1146W, C1019W, C1058W, C1075W, C1119W, C1145W, C278W.
Identifiers: ClinVar variation 924303 (VCV000924303.8), dbSNP rs1555587693, ClinGen allele CA10595107.
Genomic context (GRCh38, chr17:43,092,093, plus strand): 5'-AGCAAAACTAGTATCTTCCTTTATTTCACCATCATCTAACAGGTCATCAGGTGTCTCAGA[A>C]CAAACCTGAGATGCATGACTACTTCCCATAGGCTGTTCTAAGTTATCTGAAATCAGATAT-3'
Protein context (NP_009225.1, residues 1136-1156): PMGSSHASQV[Cys1146Trp]SETPDDLLDD

ClinVar aggregate classification (germline): Conflicting classifications of pathogenicity. Review status: criteria provided, conflicting classifications (1 of 4 stars). 3 submissions from 3 submitters: Uncertain significance (2); Likely benign (1). Last evaluated 2024-08-18.

Conditions:
Hereditary cancer-predisposing syndrome. Also called: Neoplastic Syndromes, Hereditary; Tumor predisposition; Hereditary Cancer Syndrome; Hereditary neoplastic syndrome. Identifiers: Orphanet 140162, MedGen C0027672, MeSH D009386, MONDO:0015356.

Submissions (3):

Ambry Genetics
Classification: Uncertain significance for Hereditary cancer-predisposing syndrome. Last evaluated: 2024-08-18. Review status: criteria provided, single submitter. Criteria: Ambry Variant Classification Scheme 2023. Collection method: clinical testing. Allele origin: germline.
Comment: The p.C1146W variant (also known as c.3438T>G), located in coding exon 9 of the BRCA1 gene, results from a T to G substitution at nucleotide position 3438. The cysteine at codon 1146 is replaced by tryptophan, an amino acid with highly dissimilar properties. This amino acid position is not well conserved in available vertebrate species. In addition, the in silico prediction for this alteration is inconclusive. Since supporting evidence is limited at this time, the clinical significance of this alteration remains unclear.

University of Washington Department of Laboratory Medicine, University of Washington
Classification: Likely benign for Hereditary cancer-predisposing syndrome. Last evaluated: 2023-03-23. Review status: criteria provided, single submitter. Criteria: Dines et al. (Genet Med. 2020). Collection method: curation. Allele origin: germline.
Comment: Missense variant in a coldspot region where missense variants are very unlikely to be pathogenic (PMID:31911673).

BRCA1 coldspot (exon 11 using historical exon numbering). Reclassification based on statistical prior probability

Color Diagnostics, LLC DBA Color Health
Classification: Uncertain significance for Hereditary cancer-predisposing syndrome. Last evaluated: 2019-06-17. Review status: criteria provided, single submitter. Criteria: ACMG Guidelines, 2015. Collection method: clinical testing. Allele origin: germline.